The following is an entry in ClinVar:

NM_006218.4(PIK3CA):c.2861T>A (p.Phe954Tyr)

Gene: PIK3CA (phosphatidylinositol-4,5-bisphosphate 3-kinase catalytic subunit alpha; plus strand). Cytogenetic location: 3q26.32.
Variant type: single nucleotide variant.
Coding change: c.2861T>A on transcript NM_006218.4 (MANE Select); coding-DNA position 2861, T replaced by A.
Protein change: p.Phe954Tyr; replaces phenylalanine 954 with tyrosine.
Molecular consequence: missense variant.
Genome position (GRCh38, 1-based): chr3:179,230,301, T>A. VCF-style: chr3-179230301-T-A. GRCh37 (hg19) VCF-style: chr3-178948089-T-A.
Other names: short protein forms F954Y.
Identifiers: ClinVar variation 1514560 (VCV001514560.8), dbSNP rs2108425090, ClinGen allele CA355281371.

ClinVar aggregate classification (germline): Uncertain significance (1 of 4 stars; one submission).

Conditions:
Cowden syndrome (CS). Also called: Cowden's disease; Cowden's syndrome; Cowden disease. Identifiers: Orphanet 201, MedGen C0018553, MONDO:0016063. Disease mechanism: gain of function.

Submission:

Labcorp Genetics (formerly Invitae), Labcorp
Classification: Uncertain significance for Cowden syndrome. Last evaluated: 2021-03-07. Review status: criteria provided, single submitter. Criteria: Invitae Variant Classification Sherloc (09022015). Collection method: clinical testing. Allele origin: germline.
Comment: Algorithms developed to predict the effect of missense changes on protein structure and function are either unavailable or do not agree on the potential impact of this missense change (SIFT: "Tolerated"; PolyPhen-2: "Probably Damaging"; Align-GVGD: "Class C0"). In summary, the available evidence is currently insufficient to determine the role of this variant in disease. Therefore, it has been classified as a Variant of Uncertain Significance. This variant has not been reported in the literature in individuals with PIK3CA-related conditions. This variant is not present in population databases (ExAC no frequency). This sequence change replaces phenylalanine with tyrosine at codon 954 of the PIK3CA protein (p.Phe954Tyr). The phenylalanine residue is highly conserved and there is a small physicochemical difference between phenylalanine and tyrosine.